The following is an entry in ClinVar:

ClinVar aggregate classification (germline): Uncertain significance (1 of 4 stars; one submission).

gnomAD v4.1: 1 of 1,611,230 alleles (0.000062%); highest among the groups gnomAD compares: Non-Finnish European, 0.000085%; no homozygotes.

Submission:

Dasa
Classification: Uncertain significance. Last evaluated: 2025-05-20. Review status: criteria provided, single submitter. Criteria: DASA Assertion Criteria. Collection method: clinical testing. Allele origin: germline.
Comment: NM_015972.4(POLR1D):c.64G>T (p.Glu22*) is a nonsense variant in POLR1D predicted to introduce a premature termination codon and is predicted to result in an absent or altered protein product. This variant is rare in population databases. The currently available literature and clinical evidence are not sufficient to establish a definitive association between this variant and the reported condition. Therefore, this variant is classified as a variant of uncertain significance.

NM_015972.4(POLR1D):c.64G>T (p.Glu22Ter)

Genes: POLR1D (RNA polymerase I and III subunit D; plus strand), LOC147380392 (uncharacterized LOC147380392; plus strand). Cytogenetic location: 13q12.2.
Variant type: single nucleotide variant.
Coding change: c.64G>T on transcript NM_015972.4 (MANE Select); coding-DNA position 64, G replaced by T.
Protein change: p.Glu22Ter; replaces glutamic acid 22 with a stop codon.
Molecular consequence: nonsense. On other transcripts: intron variant (2).
Genome position (GRCh38, 1-based): chr13:27,622,912, G>T. VCF-style: chr13-27622912-G-T. GRCh37 (hg19) VCF-style: chr13-28197049-G-T.
Other names: c.64G>T, p.Glu22Ter (NM_001374407.1); c.-59+1772G>T (NM_001206559.2); c.26+903G>T (NM_152705.3); short protein forms E22*.
Identifiers: ClinVar variation 4882907 (VCV004882907.2).